The following is an entry in ClinVar:

NM_001111.5(ADAR):c.523G>A (p.Val175Ile)

Gene: ADAR (adenosine deaminase RNA specific; minus strand). Cytogenetic location: 1q21.3.
Variant type: single nucleotide variant.
Coding change: c.523G>A on transcript NM_001111.5 (MANE Select); coding-DNA position 523, G replaced by A.
Protein change: p.Val175Ile; replaces valine 175 with isoleucine.
Molecular consequence: missense variant. On other transcripts: 5 prime UTR variant (6).
Genome position (GRCh38, 1-based): chr1:154,602,119, C>T on the plus strand (G>A on the coding strand, the complement: ADAR is on the minus strand). VCF-style: chr1-154602119-C-T. GRCh37 (hg19) VCF-style: chr1-154574595-C-T.
Other names: c.-363G>A (NM_001025107.3, NM_001193495.2, NM_001365046.1 and 3 more transcripts); c.550G>A, p.Val184Ile (NM_001365045.1); c.523G>A, p.Val175Ile (NM_015840.4, NM_015841.4); short protein forms V175I, V184I.
Identifiers: ClinVar variation 3756968 (VCV003756968.2).

ClinVar aggregate classification (germline): Uncertain significance (1 of 4 stars; one submission).

Conditions:
Symmetrical dyschromatosis of extremities (DSH). Also called: DYSCHROMATOSIS SYMMETRICA HEREDITARIA 1; RETICULATE ACROPIGMENTATION OF DOHI; SYMMETRIC DYSCHROMATOSIS OF THE EXTREMITIES; Dyschromatosis symmetrica hereditaria. Identifiers: Orphanet 41, MedGen C0406775, MONDO:0007483, OMIM 127400.
Aicardi-Goutieres syndrome 6 (AGS6). Identifiers: Orphanet 51, MedGen C3539013, MONDO:0014007, OMIM 615010.

gnomAD v4.1: 13 of 1,614,224 alleles (0.00081%); highest among the groups gnomAD compares: Non-Finnish European, 0.001%; no homozygotes.

Submission:

Labcorp Genetics (formerly Invitae), Labcorp
Classification: Uncertain significance for Aicardi-Goutieres syndrome 6; Symmetrical dyschromatosis of extremities. Last evaluated: 2024-09-30. Review status: criteria provided, single submitter. Criteria: Invitae Variant Classification Sherloc (09022015). Collection method: clinical testing. Allele origin: germline.
Comment: This sequence change replaces valine, which is neutral and non-polar, with isoleucine, which is neutral and non-polar, at codon 175 of the ADAR protein (p.Val175Ile). This variant is present in population databases (no rsID available, gnomAD 0.0009%). This variant has not been reported in the literature in individuals affected with ADAR-related conditions. An algorithm developed to predict the effect of missense changes on protein structure and function outputs the following: PolyPhen-2: "Benign". The isoleucine amino acid residue is found in multiple mammalian species, which suggests that this missense change does not adversely affect protein function. In summary, the available evidence is currently insufficient to determine the role of this variant in disease. Therefore, it has been classified as a Variant of Uncertain Significance.